The following is an entry in ClinVar:

NM_013352.4(DSE):c.557G>T (p.Gly186Val)

Gene: DSE (dermatan sulfate epimerase; plus strand). Cytogenetic location: 6q22.1.
Variant type: single nucleotide variant.
Coding change: c.557G>T on transcript NM_013352.4 (MANE Select); coding-DNA position 557, G replaced by T.
Protein change: p.Gly186Val; replaces glycine 186 with valine.
Molecular consequence: missense variant. On other transcripts: 5 prime UTR variant (4), non-coding transcript variant (1).
Genome position (GRCh38, 1-based): chr6:116,426,714, G>T. VCF-style: chr6-116426714-G-T. GRCh37 (hg19) VCF-style: chr6-116747877-G-T.
Other names: c.557G>T, p.Gly186Val (NM_001080976.3, NM_001322937.2, NM_001322938.2 and 3 more transcripts); c.614G>T, p.Gly205Val (NM_001322939.2); c.-5G>T (NM_001322940.2, NM_001322941.2); c.-344G>T (NM_001374520.1); c.-31G>T (NM_001374521.1); short protein forms G186V, G205V.
Identifiers: ClinVar variation 3253505 (VCV003253505.1), dbSNP rs1025167723.
Genomic context (GRCh38, chr6:116,426,714, plus strand): 5'-ACAACTACCTGAGCAAGACACAACAGGAGAAGTTTCTTGAAGTGATTGCCAATGCCTCAG[G>T]GTATATGTATGAAACTTCATACAGGAGAGGATGGGGATTTCAATACCTGCACAATCATCA-3'
Protein context (NP_037484.1, residues 176-196): KFLEVIANAS[Gly186Val]YMYETSYRRG

ClinVar aggregate classification (germline): Uncertain significance (1 of 4 stars; one submission).

Allele frequency attached by ClinVar (database versions not stated): gnomAD 0.00001; TOPMed 0.00001.
gnomAD v4.1: 18 of 1,613,960 alleles (0.0011%); highest among the groups gnomAD compares: Non-Finnish European, 0.0014%; no homozygotes.

Submission:

GeneDx
Classification: Uncertain significance. Last evaluated: 2024-04-28. Review status: criteria provided, single submitter. Criteria: GeneDx Variant Classification Process June 2021. Collection method: clinical testing. Allele origin: germline. Affected: yes.
Comment: Not observed at significant frequency in large population cohorts (gnomAD); In silico analysis indicates that this missense variant does not alter protein structure/function; Has not been previously published as pathogenic or benign to our knowledge